The following is an entry in ClinVar:

ClinVar aggregate classification (germline): Uncertain significance (1 of 4 stars; one submission).

Conditions:
RASopathy. Also called: rasopathies; Noonan spectrum disorder. Identifiers: Orphanet 536391, MedGen C5555857, MONDO:0021060.

Submission:

Labcorp Genetics (formerly Invitae), Labcorp
Classification: Uncertain significance for RASopathy. Last evaluated: 2025-05-18. Review status: criteria provided, single submitter. Criteria: Invitae Variant Classification Sherloc (09022015). Collection method: clinical testing. Allele origin: germline.
Comment: This sequence change replaces serine, which is neutral and polar, with threonine, which is neutral and polar, at codon 44 of the PTPN11 protein (p.Ser44Thr). This variant is not present in population databases (gnomAD no frequency). This variant has not been reported in the literature in individuals affected with PTPN11-related conditions. Invitae Evidence Modeling of protein sequence and biophysical properties (such as structural, functional, and spatial information, amino acid conservation, physicochemical variation, residue mobility, and thermodynamic stability) indicates that this missense variant is expected to disrupt PTPN11 protein function with a positive predictive value of 95%. In summary, the available evidence is currently insufficient to determine the role of this variant in disease. Therefore, it has been classified as a Variant of Uncertain Significance.

NM_002834.5(PTPN11):c.130T>A (p.Ser44Thr)

Gene: PTPN11 (protein tyrosine phosphatase non-receptor type 11; plus strand). Cytogenetic location: 12q24.13.
Variant type: single nucleotide variant.
Coding change: c.130T>A on transcript NM_002834.5 (MANE Select); coding-DNA position 130, T replaced by A.
Protein change: p.Ser44Thr; replaces serine 44 with threonine.
Molecular consequence: missense variant.
Genome position (GRCh38, 1-based): chr12:112,446,391, T>A. VCF-style: chr12-112446391-T-A. GRCh37 (hg19) VCF-style: chr12-112884195-T-A.
Other names: c.130T>A, p.Ser44Thr (NM_001330437.2, NM_001374625.1, NM_080601.3); short protein forms S44T.
Identifiers: ClinVar variation 4803085 (VCV004803085.1).